The following is an entry in ClinVar:

ClinVar aggregate classification (germline): Pathogenic (1 of 4 stars; one submission).

Conditions:
Alzheimer disease 3 (AD3). Also called: ALZHEIMER DISEASE, FAMILIAL, 3. Identifiers: Orphanet 1020, MedGen C1843013, MONDO:0011913, OMIM 607822.
Frontotemporal dementia (FTD1). Also called: Frontotemporal lobe dementia (FLDEM); Dementia, frontotemporal, with or without parkinsonism; WILHELMSEN-LYNCH DISEASE; FRONTOTEMPORAL DEMENTIA WITH PARKINSONISM; FRONTOTEMPORAL LOBE DEMENTIA; MULTIPLE SYSTEM TAUOPATHY WITH PRESENILE DEMENTIA. Identifiers: Orphanet 282, MedGen C0338451, MONDO:0017276, OMIM 600274, HP:0002145.
Acne inversa, familial, 3 (ACNINV3). Identifiers: MedGen C3151038, MONDO:0013398, OMIM 613737.
Pick disease. Also called: Pick's disease; Pick Disease of the Brain; DEMENTIA WITH LOBAR ATROPHY AND NEURONAL CYTOPLASMIC INCLUSIONS; LOBAR ATROPHY OF BRAIN; PICK DISEASE OF BRAIN. Identifiers: Orphanet 282, MedGen C0236642, MONDO:0008243, OMIM 172700.

Submission:

Labcorp Genetics (formerly Invitae), Labcorp
Classification: Pathogenic for Alzheimer disease 3; Pick disease; Acne inversa, familial, 3; Frontotemporal dementia. Last evaluated: 2024-02-08. Review status: criteria provided, single submitter. Criteria: Invitae Variant Classification Sherloc (09022015). Collection method: clinical testing. Allele origin: germline.
Comment: This sequence change replaces glycine, which is neutral and non-polar, with glutamic acid, which is acidic and polar, at codon 209 of the PSEN1 protein (p.Gly209Glu). This variant is not present in population databases (gnomAD no frequency). This missense change has been observed in individuals with Alzheimer's disease (PMID: 30045758, 33188256; Invitae). ClinVar contains an entry for this variant (Variation ID: 663536). Advanced modeling of protein sequence and biophysical properties (such as structural, functional, and spatial information, amino acid conservation, physicochemical variation, residue mobility, and thermodynamic stability) performed at Invitae indicates that this missense variant is expected to disrupt PSEN1 protein function with a positive predictive value of 80%. This variant disrupts the p.Gly209 amino acid residue in PSEN1. Other variant(s) that disrupt this residue have been determined to be pathogenic (PMID: 9521418, 9521423, 10468510, 24773620). This suggests that this residue is clinically significant, and that variants that disrupt this residue are likely to be disease-causing. For these reasons, this variant has been classified as Pathogenic.

Literature cited by the submitters: PubMed 30045758; PubMed 33188256; PubMed 9521418; PubMed 9521423; PubMed 10468510; PubMed 24773620.

NM_000021.4(PSEN1):c.626G>A (p.Gly209Glu)

Gene: PSEN1 (presenilin 1; plus strand). Cytogenetic location: 14q24.2.
Variant type: single nucleotide variant.
Coding change: c.626G>A on transcript NM_000021.4 (MANE Select); coding-DNA position 626, G replaced by A.
Protein change: p.Gly209Glu; replaces glycine 209 with glutamic acid.
Molecular consequence: missense variant.
Genome position (GRCh38, 1-based): chr14:73,192,721, G>A. VCF-style: chr14-73192721-G-A. GRCh37 (hg19) VCF-style: chr14-73659429-G-A.
Other names: c.614G>A, p.Gly205Glu (NM_007318.3); short protein forms G205E, G209E.
Identifiers: ClinVar variation 663536 (VCV000663536.9), dbSNP rs63750053, ClinGen allele CA390299412.